The following is an entry in ClinVar:

NM_004055.5(CAPN5):c.994C>T (p.Arg332Trp)

Gene: CAPN5 (calpain 5; plus strand). Cytogenetic location: 11q13.5.
Variant type: single nucleotide variant.
Coding change: c.994C>T on transcript NM_004055.5 (MANE Select); coding-DNA position 994, C replaced by T.
Protein change: p.Arg332Trp; replaces arginine 332 with tryptophan.
Molecular consequence: missense variant.
Genome position (GRCh38, 1-based): chr11:77,118,179, C>T. VCF-style: chr11-77118179-C-T. GRCh37 (hg19) VCF-style: chr11-76829225-C-T.
Other names: short protein forms R332W.
Identifiers: ClinVar variation 936453 (VCV000936453.10), dbSNP rs782554316, ClinGen allele CA6196656.

ClinVar aggregate classification (germline): Uncertain significance. Review status: criteria provided, multiple submitters, no conflicts (2 of 4 stars). 2 submissions from 2 submitters: Uncertain significance (2). Last evaluated 2024-10-15.

Conditions:
Inborn genetic diseases. Identifiers: MedGen C0950123, MeSH D030342.

Allele frequency attached by ClinVar (database versions not stated): gnomAD 0.00003; TOPMed 0.00003; ExAC 0.00005; gnomAD exomes 0.00007.
gnomAD v4.1: 44 of 1,613,418 alleles (0.0027%); highest among the groups gnomAD compares: Admixed American, 0.013%; no homozygotes.

Submissions (2):

Labcorp Genetics (formerly Invitae), Labcorp
Classification: Uncertain significance. Last evaluated: 2024-10-15. Review status: criteria provided, single submitter. Criteria: Invitae Variant Classification Sherloc (09022015). Collection method: clinical testing. Allele origin: germline.
Comment: This sequence change replaces arginine, which is basic and polar, with tryptophan, which is neutral and slightly polar, at codon 332 of the CAPN5 protein (p.Arg332Trp). This variant is present in population databases (rs782554316, gnomAD 0.08%), and has an allele count higher than expected for a pathogenic variant. This variant has not been reported in the literature in individuals affected with CAPN5-related conditions. ClinVar contains an entry for this variant (Variation ID: 936453). Invitae Evidence Modeling of protein sequence and biophysical properties (such as structural, functional, and spatial information, amino acid conservation, physicochemical variation, residue mobility, and thermodynamic stability) has been performed for this missense variant. However, the output from this modeling did not meet the statistical confidence thresholds required to predict the impact of this variant on CAPN5 protein function. In summary, the available evidence is currently insufficient to determine the role of this variant in disease. Therefore, it has been classified as a Variant of Uncertain Significance.

Ambry Genetics
Classification: Uncertain significance for Inborn genetic diseases. Last evaluated: 2021-07-14. Review status: criteria provided, single submitter. Criteria: Ambry Variant Classification Scheme 2023. Collection method: clinical testing. Allele origin: germline.